The following is an entry in ClinVar:

ClinVar aggregate classification (germline): Uncertain significance. Review status: criteria provided, multiple submitters, no conflicts (2 of 4 stars). 2 submissions from 2 submitters: Uncertain significance (2). Last evaluated 2025-10-22.

Conditions:
ABCB11-related disorder. Also called: ABCB11-related condition.

Allele frequency attached by ClinVar (database versions not stated): gnomAD exomes 0.00005 and 0.00003; TOPMed 0.00002; ExAC 0.00003; gnomAD 0.00003 and 0.00004.
gnomAD v4.1: 54 of 1,612,134 alleles (0.0033%); highest among the groups gnomAD compares: Middle Eastern, 0.016%; no homozygotes.

Submissions (2):

PreventionGenetics, part of Exact Sciences
Classification: Uncertain significance for ABCB11-related condition. Last evaluated: 2025-10-22. Review status: criteria provided, single submitter. Criteria: ACMG Guidelines, 2015. Collection method: clinical testing. Allele origin: germline.
Comment: The ABCB11 c.155G>A variant is predicted to result in the amino acid substitution p.Arg52Gln. This variant was reported in an individual with adult-onset liver disease (Patient 0093 in Supplementary Table 1 in Nayagam et al. 2022. PubMed ID: 35894240). This variant is reported in 0.10% of alleles in individuals of Ashkenazi Jewish descent in gnomAD. Of note, a different variant impacting the same amino acid (p.Arg52Trp) has been documented with a second variant in ABCB11 in a patient with progressive familial intrahepatic cholestasis (Patient 11 in Chen et al. 2019. PubMed ID: 30366773). Although we suspect that this variant may be benign, at this time, the clinical significance of this variant is uncertain due to the absence of conclusive functional and genetic evidence.

Eurofins Ntd Llc (ga)
Classification: Uncertain significance. Last evaluated: 2018-02-19. Review status: criteria provided, single submitter. Criteria: EGL ClinVar v180209 classification definitions. Collection method: clinical testing. Allele origin: germline. Observed: 1 variant allele, 1 heterozygote.

NM_003742.4(ABCB11):c.155G>A (p.Arg52Gln)

Gene: ABCB11 (ATP binding cassette subfamily B member 11; minus strand). Cytogenetic location: 2q31.1.
Variant type: single nucleotide variant.
Coding change: c.155G>A on transcript NM_003742.4 (MANE Select); coding-DNA position 155, G replaced by A.
Protein change: p.Arg52Gln; replaces arginine 52 with glutamine.
Molecular consequence: missense variant.
Genome position (GRCh38, 1-based): chr2:169,013,506, C>T on the plus strand (G>A on the coding strand, the complement: ABCB11 is on the minus strand). VCF-style: chr2-169013506-C-T. GRCh37 (hg19) VCF-style: chr2-169870016-C-T.
Other names: c.155G>A, p.Arg52Gln (LRG_1199t1); c.155G>A (NM_003742.2); short protein forms R52Q.
Identifiers: ClinVar variation 596195 (VCV000596195.7), dbSNP rs773884264, ClinGen allele CA1951951.
Genomic context (GRCh38, chr2:169,013,506, plus strand): 5'-TGGAGAAATGCACACAAACTTCCCACAAACATCAGCCAAATGTCAGTTGATGAAGAAAAC[C>T]GAAACTTGAAAAACAAAGGGTTCAGAGATCATCTATGGGTGAAGAGCAGGAGAGGTAGGA-3'
Protein context (NP_003733.2, residues 42-62): GVRVGFFQLF[Arg52Gln]FSSSTDIWLM